The following is an entry in ClinVar:

NM_005733.3(KIF20A):c.2551C>T (p.Arg851Ter)

Gene: KIF20A (kinesin family member 20A; plus strand). Cytogenetic location: 5q31.2.
Variant type: single nucleotide variant.
Coding change: c.2551C>T on transcript NM_005733.3 (MANE Select); coding-DNA position 2551, C replaced by T.
Protein change: p.Arg851Ter; replaces arginine 851 with a stop codon.
Molecular consequence: nonsense.
Genome position (GRCh38, 1-based): chr5:138,187,291, C>T. VCF-style: chr5-138187291-C-T. GRCh37 (hg19) VCF-style: chr5-137522980-C-T.
Other names: short protein forms R851*.
Identifiers: ClinVar variation 1908874 (VCV001908874.5), dbSNP rs1206681263, ClinGen allele CA361120198.
Genomic context (GRCh38, chr5:138,187,291, plus strand): 5'-GGTACCAACCAGGAAAATCAGCAACCAAACCAACAACCACCAGGGAAGAAACCATTCCTT[C>T]GAAATTTACTTCCCCGAACACCAACCTGCCAAAGCTCAACAGACTGCAGCCCTTATGCCC-3'

ClinVar aggregate classification (germline): Uncertain significance (1 of 4 stars; one submission).

Allele frequency attached by ClinVar (database versions not stated): gnomAD exomes 0.00001; TOPMed 0.00002; gnomAD 0.00003.
gnomAD v4.1: 20 of 1,614,070 alleles (0.0012%); highest among the groups gnomAD compares: South Asian, 0.0033%; no homozygotes.

Submission:

Labcorp Genetics (formerly Invitae), Labcorp
Classification: Uncertain significance. Last evaluated: 2024-01-20. Review status: criteria provided, single submitter. Criteria: Invitae Variant Classification Sherloc (09022015). Collection method: clinical testing. Allele origin: germline.
Comment: This sequence change creates a premature translational stop signal (p.Arg851*) in the KIF20A gene. While this is not anticipated to result in nonsense mediated decay, it is expected to disrupt the last 40 amino acid(s) of the KIF20A protein. This variant is not present in population databases (gnomAD no frequency). This variant has not been reported in the literature in individuals affected with KIF20A-related conditions. ClinVar contains an entry for this variant (Variation ID: 1908874). In summary, the available evidence is currently insufficient to determine the role of this variant in disease. Therefore, it has been classified as a Variant of Uncertain Significance.